The following is an entry in ClinVar:

ClinVar aggregate classification (germline): Conflicting classifications of pathogenicity. Review status: criteria provided, conflicting classifications (1 of 4 stars). 19 submissions from 19 submitters: Likely pathogenic (14); Uncertain significance (1). 4 of the submissions do not count toward it. Last evaluated 2026-08-28.

Conditions:
MUTYH-related disorder. Also called: MUTYH-related condition; MUTYH-related disorders.
Familial colorectal cancer type X. Identifiers: Orphanet 440437, MedGen C3896578, MONDO:0018604.
Gastric cancer. Also called: Stomach cancer; Malignant tumor of stomach. Identifiers: MedGen C0024623, MeSH D013274, MONDO:0001056, OMIM 613659, HP:0012126.
Familial adenomatous polyposis 2. Also called: MUTYH Polyposis; ADENOMAS, MULTIPLE COLORECTAL, AUTOSOMAL RECESSIVE; Adenomas, multiple colorectal; MYH-associated polyposis; FAP type 2; MUTYH-related attenuated familial adenomatous polyposis. Identifiers: Orphanet 220460, Orphanet 247798, MedGen C3272841, MONDO:0012041, OMIM 608456.
Hereditary cancer-predisposing syndrome. Also called: Tumor predisposition; Neoplastic Syndromes, Hereditary; Hereditary Cancer Syndrome; Hereditary neoplastic syndrome. Identifiers: Orphanet 140162, MedGen C0027672, MeSH D009386, MONDO:0015356.

Allele frequency attached by ClinVar (database versions not stated): TOPMed 0.00003; gnomAD 0.00004; ExAC 0.00007; ESP Exome Variant Server 0.00008.
gnomAD v4.1: 104 of 1,609,988 alleles (0.0065%); highest among the groups gnomAD compares: Middle Eastern, 0.12%; 1 homozygote.

Submissions 1 to 10 of 19:

Center for Genomic Medicine, Rigshospitalet, Copenhagen University Hospital
Classification: Likely pathogenic. Last evaluated: 2026-08-28. Review status: criteria provided, single submitter. Criteria: ACMG Guidelines, 2015. Collection method: clinical testing. Allele origin: germline.

OLLIN Analises Genomicas, OLLIN
Classification: Likely pathogenic for Familial adenomatous polyposis 2. Last evaluated: 2026-02-13. Review status: criteria provided, single submitter. Criteria: ACMG Guidelines 2015 PMID 25741868. Collection method: clinical testing. Allele origin: germline. Observed: 1 variant allele.
Comment: PM2_P, PM3_S, PP3

Labcorp Genetics (formerly Invitae), Labcorp
Classification: Likely pathogenic for Familial adenomatous polyposis 2. Last evaluated: 2025-12-18. Review status: criteria provided, single submitter. Criteria: Invitae Variant Classification Sherloc (09022015). Collection method: clinical testing. Allele origin: germline.
Comment: This sequence change affects codon 346 of the MUTYH mRNA. It is a 'silent' change, meaning that it does not change the encoded amino acid sequence of the MUTYH protein. RNA analysis indicates that this variant induces altered splicing and likely results in the loss of 14 amino acid residue(s), but is expected to preserve the integrity of the reading-frame. This variant is present in population databases (rs372673338, gnomAD 0.01%). This variant has been observed in individual(s) with breast and pancreatic cancers and/or colonic adenomas (PMID: 15761860, 17949294, 21520333, 25186627, 30833417; internal data). In at least one individual the data is consistent with being in trans (on the opposite chromosome) from a pathogenic variant. This variant is also known as c.996G>A and p.S332S. ClinVar contains an entry for this variant (Variation ID: 186251). Studies have shown that this variant results in the activation of a cryptic splice site in exon 12 (PMID: 21520333, 30833417; internal data). In summary, the currently available evidence indicates that the variant is pathogenic, but additional data are needed to prove that conclusively. Therefore, this variant has been classified as Likely Pathogenic.

Quest Diagnostics Nichols Institute San Juan Capistrano
Classification: Likely pathogenic. Last evaluated: 2025-09-13. Review status: criteria provided, single submitter. Criteria: Quest Diagnostics criteria. Collection method: clinical testing. Allele origin: unknown.
Comment: The MUTYH c.1038G>A (p.Ser346=) synonymous variant has been reported in compound heterozygous individuals with colorectal adenomas and colorectal cancer (PMIDs: 17949294 (2007), 15761860 (2005)), pancreatic cancer (PMID: 30833417 (2019)), and in a heterozygous individual with breast cancer (PMID: 25186627 (2015)). Assessment of experimental evidence suggests this variant results in abnormal RNA splicing (PMID: 30833417 (2019)). The frequency of this variant in the general population (Genome Aggregation Database) is uninformative in the assessment of its pathogenicity. Analysis of this variant using software algorithms for the prediction of the effect of nucleotide changes on MUTYH mRNA splicing yielded predictions that this variant may result in the gain of a cryptic splice site without affecting the natural splice sites. Based on the available information, this variant is classified as likely pathogenic.

Color Diagnostics, LLC DBA Color Health
Classification: Likely pathogenic for Hereditary cancer-predisposing syndrome. Last evaluated: 2025-07-07. Review status: criteria provided, single submitter. Criteria: ACMG Guidelines, 2015. Collection method: clinical testing. Allele origin: germline.
Comment: This synonymous variant causes a G>A nucleotide change in exon 12 of the MUTYH gene. This variant is also known as c.996G>A (p.Ser332=) in the literature based on a different transcript, NM_001048171. Splice site prediction tools suggest that this variant may impact RNA splicing through the creation of a de novo splice acceptor site. An RNA study has shown that this variant causes an in-frame deletion of the first 42 base pairs of exon 12 (r.998_1039del, p.Ala333_Ser346del). The deleted region contains two highly conserved cysteines that play an important role in protein function (PMID: 24841533, 31203172). This variant has been identified in four individuals affected with adenomatous polyposis, colorectal cancer, or pancreatic cancer together with a known pathogenic mutation in the same gene (PMID: 15761860, 17949294, 30833417). Three of these probands were reported to be compound heterozygotes (PMID: 17949294, 30833417). This variant has also been identified in 11/242534 chromosomes (11/108924 Non-Finnish European chromosomes) in the general population by the Genome Aggregation Database (gnomAD). Loss of MUTYH function is a known mechanism of disease. Based on the available evidence, this variant is classified as Likely Pathogenic.

CeGaT Center for Human Genetics Tuebingen
Classification: Likely pathogenic. Last evaluated: 2025-05-01. Review status: criteria provided, single submitter. Criteria: CeGaT Center For Human Genetics Tuebingen Variant Classification Criteria Version 2. Collection method: clinical testing. Allele origin: germline. Affected: yes. Observed: 3 variant alleles.
Comment: MUTYH: PM3:Strong, PVS1:Moderate, PM2:Supporting

Molecular Pathology, Peter Maccallum Cancer Centre
Classification: Likely pathogenic for Familial adenomatous polyposis 2. Last evaluated: 2025-03-17. Review status: criteria provided, single submitter. Criteria: ACMG Guidelines, 2015. Collection method: clinical testing. Allele origin: germline. Inheritance: Autosomal recessive inheritance.

Ambry Genetics
Classification: Likely pathogenic for Hereditary cancer-predisposing syndrome. Last evaluated: 2025-03-02. Review status: criteria provided, single submitter. Criteria: Ambry Variant Classification Scheme 2023. Collection method: clinical testing. Allele origin: germline.
Comment: The c.1038G>A variant (also known as p.S346S), located in coding exon 12 of the MUTYH gene, results from a G to A substitution at nucleotide position 1038. This nucleotide substitution does not change the serine amino acid at codon 346. RNA studies have demonstrated that this alteration results in abnormal splicing in the set of samples tested (Ambry internal data). This variant has been reported in the compound heterozygous state with different pathogenic MUTYH mutations in individuals with multiple adenomatous polyps (Olschwang S et al. Genet Test, 2007;11:315-20; Kairupan CF et al. Int. J. Cancer, 2005 Aug;116:73-7; Thibodeau ML et al. Cold Spring Harb Mol Case Stud, 2019 04;5; External communication). This variant was observed in an individual with early onset-breast cancer amongst a cohort of 1781 non-Ashkenazi Jewish individuals undergoing BRCA1/2 gene testing based on a personal history of breast cancer (Tung N et al. Cancer, 2015 Jan;121:25-33). Of note, this alteration is also designated as c.996G>A (p.S332S) in the literature. This nucleotide position is poorly conserved in available vertebrate species. In silico splice site analysis predicts that this alteration may weaken the native splice acceptor site and will result in the creation or strengthening of a novel splice acceptor site. Based on the majority of available evidence to date, this variant is likely to be pathogenic.

GeneDx
Classification: Likely pathogenic. Last evaluated: 2024-11-18. Review status: criteria provided, single submitter. Criteria: GeneDx Variant Classification Process June 2021. Collection method: clinical testing. Allele origin: germline. Affected: yes.
Comment: Splice variant demonstrated to result in the creation of novel splice acceptor site which may result in the deletion of 14 amino acids of exon 12 (PMID: 30833417); In silico analysis supports a deleterious effect on splicing.; Not observed at significant frequency in large population cohorts (gnomAD); This variant is associated with the following publications: (PMID: 15761860, 17949294, 26269718, 25525159, 21520333, 34758253, 25186627, 34981295, 30833417, 16879101, 20816984)

Blueprint Genetics
Classification: Uncertain significance. Last evaluated: 2024-10-16. Review status: criteria provided, single submitter. Criteria: ACMG Guidelines, 2015. Collection method: clinical testing. Allele origin: germline.

NM_001048174.2(MUTYH):c.954G>A (p.Ser318=)

Gene: MUTYH (mutY DNA glycosylase; minus strand). Cytogenetic location: 1p34.1.
Variant type: single nucleotide variant.
Coding change: c.954G>A on transcript NM_001048174.2 (MANE Select); coding-DNA position 954, G replaced by A.
Protein change: p.Ser318=; no amino-acid change (serine 318 retained).
Molecular consequence: synonymous variant. On other transcripts: non-coding transcript variant (2).
Genome position (GRCh38, 1-based): chr1:45,331,809, C>T on the plus strand (G>A on the coding strand, the complement: MUTYH is on the minus strand). VCF-style: chr1-45331809-C-T. GRCh37 (hg19) VCF-style: chr1-45797481-C-T.
Other names: c.954G>A, p.Ser318= (NM_001048171.2, NM_001048173.2, NM_001293195.2); c.957G>A, p.Ser319= (NM_001048172.2); c.1038G>A, p.Ser346= (NM_001128425.2); c.999G>A, p.Ser333= (NM_001293190.2); c.987G>A, p.Ser329= (NM_001293191.2); c.678G>A, p.Ser226= (NM_001293192.2, NM_001293196.2); c.609G>A, p.Ser203= (NM_001350650.2, NM_001350651.2); c.1029G>A, p.Ser343= (NM_012222.3).
Identifiers: ClinVar variation 186251 (VCV000186251.91), dbSNP rs372673338, ClinGen allele CA012034.